The following is an entry in ClinVar:

NM_001004334.4(GPR179):c.119C>G (p.Ser40Cys)

Gene: GPR179 (G protein-coupled receptor 179; minus strand). Cytogenetic location: 17q12.
Variant type: single nucleotide variant.
Coding change: c.119C>G on transcript NM_001004334.4 (MANE Select); coding-DNA position 119, C replaced by G.
Protein change: p.Ser40Cys; replaces serine 40 with cysteine.
Molecular consequence: missense variant.
Genome position (GRCh38, 1-based): chr17:38,343,671, G>C on the plus strand (C>G on the coding strand, the complement: GPR179 is on the minus strand). VCF-style: chr17-38343671-G-C. GRCh37 (hg19) VCF-style: chr17-36499554-G-C.
Other names: short protein forms S40C.
Identifiers: ClinVar variation 2012581 (VCV002012581.4), dbSNP rs2512176608, ClinGen allele CA398889877.

ClinVar aggregate classification (germline): Uncertain significance (1 of 4 stars; one submission).

Allele frequency attached by ClinVar (database versions not stated): gnomAD exomes below 0.00001.
gnomAD v4.1: 1 of 1,611,432 alleles (0.000062%); highest among the groups gnomAD compares: Admixed American, 0.0017%; no homozygotes.

Submission:

Labcorp Genetics (formerly Invitae), Labcorp
Classification: Uncertain significance. Last evaluated: 2023-11-27. Review status: criteria provided, single submitter. Criteria: Invitae Variant Classification Sherloc (09022015). Collection method: clinical testing. Allele origin: germline.
Comment: This sequence change replaces serine, which is neutral and polar, with cysteine, which is neutral and slightly polar, at codon 40 of the GPR179 protein (p.Ser40Cys). This variant is not present in population databases (gnomAD no frequency). This variant has not been reported in the literature in individuals affected with GPR179-related conditions. ClinVar contains an entry for this variant (Variation ID: 2012581). An algorithm developed to predict the effect of missense changes on protein structure and function (PolyPhen-2) suggests that this variant is likely to be disruptive. In summary, the available evidence is currently insufficient to determine the role of this variant in disease. Therefore, it has been classified as a Variant of Uncertain Significance.